The following is an entry in ClinVar:

ClinVar aggregate classification (germline): Uncertain significance (1 of 4 stars; one submission).

gnomAD v4.1: 1 of 1,614,208 alleles (0.000062%); highest among the groups gnomAD compares: South Asian, 0.0011%; no homozygotes.

Submission:

CeGaT Center for Human Genetics Tuebingen
Classification: Uncertain significance. Last evaluated: 2026-05-01. Review status: criteria provided, single submitter. Criteria: CeGaT Center For Human Genetics Tuebingen Variant Classification Criteria Version 2. Collection method: clinical testing. Allele origin: germline. Affected: yes. Observed: 1 variant allele.
Comment: ACTN2: PM2, PM5

NM_001103.4(ACTN2):c.1460G>A (p.Cys487Tyr)

Gene: ACTN2 (actinin alpha 2; plus strand). Cytogenetic location: 1q43.
Variant type: single nucleotide variant.
Coding change: c.1460G>A on transcript NM_001103.4 (MANE Select); coding-DNA position 1460, G replaced by A.
Protein change: p.Cys487Tyr; replaces cysteine 487 with tyrosine.
Molecular consequence: missense variant. On other transcripts: non-coding transcript variant (1).
Genome position (GRCh38, 1-based): chr1:236,747,720, G>A. VCF-style: chr1-236747720-G-A. GRCh37 (hg19) VCF-style: chr1-236911020-G-A.
Other names: c.1460G>A, p.Cys487Tyr (NM_001278343.2); short protein forms C487Y.
Identifiers: ClinVar variation 4874935 (VCV004874935.2).